The following is an entry in ClinVar:

NM_032520.5(GNPTG):c.158G>A (p.Arg53Lys)

Gene: GNPTG (N-acetylglucosamine-1-phosphate transferase subunit gamma; plus strand). Cytogenetic location: 16p13.3.
Variant type: single nucleotide variant.
Coding change: c.158G>A on transcript NM_032520.5 (MANE Select); coding-DNA position 158, G replaced by A.
Protein change: p.Arg53Lys; replaces arginine 53 with lysine.
Molecular consequence: missense variant.
Genome position (GRCh38, 1-based): chr16:1,352,286, G>A. VCF-style: chr16-1352286-G-A. GRCh37 (hg19) VCF-style: chr16-1402287-G-A.
Other names: short protein forms R53K.
Identifiers: ClinVar variation 2920394 (VCV002920394.1), dbSNP rs2548185904, ClinGen allele CA394184553.

ClinVar aggregate classification (germline): Uncertain significance (1 of 4 stars; one submission).

Submission:

Labcorp Genetics (formerly Invitae), Labcorp
Classification: Uncertain significance. Last evaluated: 2024-01-11. Review status: criteria provided, single submitter. Criteria: Invitae Variant Classification Sherloc (09022015). Collection method: clinical testing. Allele origin: germline.
Comment: This sequence change replaces arginine, which is basic and polar, with lysine, which is basic and polar, at codon 53 of the GNPTG protein (p.Arg53Lys). This variant is not present in population databases (gnomAD no frequency). This variant has not been reported in the literature in individuals affected with GNPTG-related conditions. Advanced modeling of protein sequence and biophysical properties (such as structural, functional, and spatial information, amino acid conservation, physicochemical variation, residue mobility, and thermodynamic stability) performed at Invitae indicates that this missense variant is not expected to disrupt GNPTG protein function with a negative predictive value of 80%. In summary, the available evidence is currently insufficient to determine the role of this variant in disease. Therefore, it has been classified as a Variant of Uncertain Significance.